The following is an entry in ClinVar:

ClinVar aggregate classification (germline): Uncertain significance (1 of 4 stars; one submission).

Conditions:
Autosomal recessive limb-girdle muscular dystrophy type 2D (LGMDR3). Also called: DUCHENNE-LIKE AUTOSOMAL RECESSIVE MUSCULAR DYSTROPHY, TYPE 2; MUSCULAR DYSTROPHY, LIMB-GIRDLE, AUTOSOMAL RECESSIVE 3; ADHALINOPATHY, PRIMARY. Identifiers: Orphanet 62, MedGen C2936332, MONDO:0011968, OMIM 608099. Disease mechanism: Affects gamma-sarcoglycan and also disrupts the integrity of the entire sarcoglycan complex..

Submission:

Labcorp Genetics (formerly Invitae), Labcorp
Classification: Uncertain significance for Autosomal recessive limb-girdle muscular dystrophy type 2D. Last evaluated: 2025-09-28. Review status: criteria provided, single submitter. Criteria: Invitae Variant Classification Sherloc (09022015). Collection method: clinical testing. Allele origin: germline.
Comment: This sequence change replaces glycine, which is neutral and non-polar, with arginine, which is basic and polar, at codon 318 of the SGCA protein (p.Gly318Arg). This variant is not present in population databases (gnomAD no frequency). This variant has not been reported in the literature in individuals affected with SGCA-related conditions. Invitae Evidence Modeling of protein sequence and biophysical properties (such as structural, functional, and spatial information, amino acid conservation, physicochemical variation, residue mobility, and thermodynamic stability) indicates that this missense variant is expected to disrupt SGCA protein function with a positive predictive value of 95%. In summary, the available evidence is currently insufficient to determine the role of this variant in disease. Therefore, it has been classified as a Variant of Uncertain Significance.

NM_000023.4(SGCA):c.952G>A (p.Gly318Arg)

Gene: SGCA (sarcoglycan alpha; plus strand). Cytogenetic location: 17q21.33.
Variant type: single nucleotide variant.
Coding change: c.952G>A on transcript NM_000023.4 (MANE Select); coding-DNA position 952, G replaced by A.
Protein change: p.Gly318Arg; replaces glycine 318 with arginine.
Molecular consequence: missense variant. On other transcripts: intron variant (1).
Genome position (GRCh38, 1-based): chr17:50,170,347, G>A. VCF-style: chr17-50170347-G-A. GRCh37 (hg19) VCF-style: chr17-48247708-G-A.
Other names: c.585-293G>A (NM_001135697.3); short protein forms G318R.
Identifiers: ClinVar variation 4800877 (VCV004800877.1).